The following is an entry in ClinVar:

NM_004329.3(BMPR1A):c.1386G>A (p.Pro462=)

Gene: BMPR1A (bone morphogenetic protein receptor type 1A; plus strand). Cytogenetic location: 10q23.2.
Variant type: single nucleotide variant.
Coding change: c.1386G>A on transcript NM_004329.3 (MANE Select); coding-DNA position 1386, G replaced by A.
Protein change: p.Pro462=; no amino-acid change (proline 462 retained).
Molecular consequence: synonymous variant.
Genome position (GRCh38, 1-based): chr10:86,923,419, G>A. VCF-style: chr10-86923419-G-A. GRCh37 (hg19) VCF-style: chr10-88683176-G-A.
Identifiers: ClinVar variation 215829 (VCV000215829.30), dbSNP rs751815388, ClinGen allele CA338817.

ClinVar aggregate classification (germline): Benign/Likely benign. Review status: criteria provided, multiple submitters, no conflicts (2 of 4 stars). 8 submissions from 8 submitters: Benign (1); Likely benign (7). Last evaluated 2026-01-20.

Conditions:
Juvenile polyposis syndrome (JPS). Identifiers: Orphanet 2929, MedGen C0345893, MONDO:0017380, OMIM 174900.
Hereditary cancer-predisposing syndrome. Also called: Tumor predisposition; Neoplastic Syndromes, Hereditary; Hereditary Cancer Syndrome; Hereditary neoplastic syndrome. Identifiers: Orphanet 140162, MedGen C0027672, MeSH D009386, MONDO:0015356.

Allele frequency attached by ClinVar (database versions not stated): TOPMed 0.00001; ExAC 0.00002.
gnomAD v4.1: 38 of 1,614,162 alleles (0.0024%); highest among the groups gnomAD compares: South Asian, 0.026%; no homozygotes.

Submissions (8):

Labcorp Genetics (formerly Invitae), Labcorp
Classification: Likely benign for Juvenile polyposis syndrome. Last evaluated: 2026-01-20. Review status: criteria provided, single submitter. Criteria: Invitae Variant Classification Sherloc (09022015). Collection method: clinical testing. Allele origin: germline.

CeGaT Center for Human Genetics Tuebingen
Classification: Likely benign. Last evaluated: 2025-04-01. Review status: criteria provided, single submitter. Criteria: CeGaT Center For Human Genetics Tuebingen Variant Classification Criteria Version 2. Collection method: clinical testing. Allele origin: germline. Affected: yes. Observed: 1 variant allele.
Comment: BMPR1A: BP4, BP7

Myriad Genetics, Inc.
Classification: Benign for Juvenile polyposis syndrome. Last evaluated: 2024-08-08. Review status: criteria provided, single submitter. Criteria: Myriad Autosomal Dominant, Autosomal Recessive and X-Linked Classification Criteria (2023). Collection method: clinical testing. Allele origin: unknown.
Comment: This variant is considered benign. This variant is a silent/synonymous amino acid change and it is not expected to impact splicing.

All of Us Research Program, National Institutes of Health
Classification: Likely benign for Juvenile polyposis syndrome. Last evaluated: 2023-12-01. Review status: criteria provided, single submitter. Criteria: ACMG Guidelines, 2015. Collection method: clinical testing. Allele origin: germline. Inheritance: Autosomal dominant inheritance. Observed: 4 variant alleles, 4 heterozygotes.
Comment: This study involves interpretation of variants in research participants for the purpose of population health screening. Participant phenotype was not available at the time of variant classification. Additional details can be found in publication PMID: 35346344, PMCID: PMC8962531

Sema4
Classification: Likely benign for Hereditary cancer-predisposing syndrome. Last evaluated: 2021-08-25. Review status: criteria provided, single submitter. Criteria: Sema4 Curation Guidelines. Collection method: curation. Allele origin: germline.

GeneDx
Classification: Likely benign. Last evaluated: 2019-01-07. Review status: criteria provided, single submitter. Criteria: GeneDx Variant Classification Process June 2021. Collection method: clinical testing. Allele origin: germline. Affected: yes.

Color Diagnostics, LLC DBA Color Health
Classification: Likely benign for Hereditary cancer-predisposing syndrome. Last evaluated: 2017-12-03. Review status: criteria provided, single submitter. Criteria: ACMG Guidelines, 2015. Collection method: clinical testing. Allele origin: germline.

Ambry Genetics
Classification: Likely benign for Hereditary cancer-predisposing syndrome. Last evaluated: 2017-03-13. Review status: criteria provided, single submitter. Criteria: Ambry Variant Classification Scheme 2023. Collection method: clinical testing. Allele origin: germline.